The following is an entry in ClinVar:

NM_001085049.3(MRAS):c.464C>G (p.Thr155Ser)

Gene: MRAS (muscle RAS oncogene homolog; plus strand). Cytogenetic location: 3q22.3.
Variant type: single nucleotide variant.
Coding change: c.464C>G on transcript NM_001085049.3 (MANE Select); coding-DNA position 464, C replaced by G.
Protein change: p.Thr155Ser; replaces threonine 155 with serine.
Molecular consequence: missense variant.
Genome position (GRCh38, 1-based): chr3:138,400,550, C>G. VCF-style: chr3-138400550-C-G. GRCh37 (hg19) VCF-style: chr3-138119392-C-G.
Other names: c.464C>G, p.Thr155Ser (NM_001252090.2, NM_012219.4); c.236C>G, p.Thr79Ser (NM_001252091.1, NM_001252092.2, NM_001252093.2); short protein forms T155S, T79S.
Identifiers: ClinVar variation 1506568 (VCV001506568.8), dbSNP rs1445407903, ClinGen allele CA354676667.
Genomic context (GRCh38, chr3:138,400,550, plus strand): 5'-AGGATCTCTGTGCCACTTTGATCAAGTTGAGCTTTGCCTTCCAGATTCCGTACATAGAAA[C>G]CAGTGCCAAGGACCCACCTCTCAATGTCGACAAAGCCTTCCATGACCTCGTTAGAGTAAT-3'
Protein context (NP_001078518.1, residues 145-165): ATKHNIPYIE[Thr155Ser]SAKDPPLNVD

ClinVar aggregate classification (germline): Uncertain significance. Review status: criteria provided, multiple submitters, no conflicts (2 of 4 stars). 3 submissions from 3 submitters: Uncertain significance (3). Last evaluated 2026-02-10.

Conditions:
Noonan syndrome 11. Identifiers: MedGen C5193130, MONDO:0032786, OMIM 618499.

Allele frequency attached by ClinVar (database versions not stated): TOPMed below 0.00001.

Submissions (3):

Clinical Genomics Laboratory, Washington University in St. Louis
Classification: Uncertain significance for Noonan syndrome 11. Last evaluated: 2026-02-10. Review status: criteria provided, single submitter. Criteria: ACMG Guidelines, 2015. Collection method: clinical testing. Allele origin: germline.
Comment: The MRAS c.464C>G (p.Thr155Ser) variant, to our knowledge, has not been reported in the medical literature. This variant is absent from the general population (gnomAD v2.1.1), indicating it is not a common variant. Computational predictors indicate that the variant is damaging, evidence that correlates with impact to MRAS function. Due to limited information, and based on the ClinGen RASopathy Expert Panel Specifications to the ACMG/AMP Variant Interpretation Guidelines for MRAS Version 1.4.0 (Wilcox EH et al., PMID: 40496714), the clinical significance of this variant is uncertain at this time.

GeneDx
Classification: Uncertain significance. Last evaluated: 2024-09-03. Review status: criteria provided, single submitter. Criteria: GeneDx Variant Classification Process June 2021. Collection method: clinical testing. Allele origin: germline.
Comment: Not observed at significant frequency in large population cohorts (gnomAD); In silico analysis supports that this missense variant has a deleterious effect on protein structure/function; Has not been previously published as pathogenic or benign to our knowledge

Labcorp Genetics (formerly Invitae), Labcorp
Classification: Uncertain significance. Last evaluated: 2021-09-20. Review status: criteria provided, single submitter. Criteria: Invitae Variant Classification Sherloc (09022015). Collection method: clinical testing. Allele origin: germline.
Comment: This variant is not present in population databases (ExAC no frequency). This sequence change replaces threonine with serine at codon 155 of the MRAS protein (p.Thr155Ser). The threonine residue is highly conserved and there is a small physicochemical difference between threonine and serine. This variant has not been reported in the literature in individuals affected with MRAS-related conditions. Algorithms developed to predict the effect of missense changes on protein structure and function (SIFT, PolyPhen-2, Align-GVGD) all suggest that this variant is likely to be disruptive. In summary, the available evidence is currently insufficient to determine the role of this variant in disease. Therefore, it has been classified as a Variant of Uncertain Significance.